The following is an entry in ClinVar:

NM_000264.5(PTCH1):c.1213G>T (p.Glu405Ter)

Gene: PTCH1 (patched 1; minus strand). Cytogenetic location: 9q22.32.
Variant type: single nucleotide variant.
Coding change: c.1213G>T on transcript NM_000264.5 (MANE Select); coding-DNA position 1213, G replaced by T.
Protein change: p.Glu405Ter; replaces glutamic acid 405 with a stop codon.
Molecular consequence: nonsense. On other transcripts: non-coding transcript variant (1).
Genome position (GRCh38, 1-based): chr9:95,479,002, C>A on the plus strand (G>T on the coding strand, the complement: PTCH1 is on the minus strand). VCF-style: chr9-95479002-C-A. GRCh37 (hg19) VCF-style: chr9-98241284-C-A.
Other names: c.1015G>T, p.Glu339Ter (NM_001083602.3); c.1210G>T, p.Glu404Ter (NM_001083603.3); c.760G>T, p.Glu254Ter (NM_001083604.3, NM_001083605.3, NM_001083606.3 and 1 more transcripts); c.1213G>T, p.Glu405Ter (NM_001354918.2); short protein forms E254*, E339*, E404*, E405*.
Identifiers: ClinVar variation 1709605 (VCV001709605.4), dbSNP rs2538216536, ClinGen allele CA374119207.

ClinVar aggregate classification (germline): Pathogenic/Likely pathogenic. Review status: criteria provided, multiple submitters, no conflicts (2 of 4 stars). 3 submissions from 3 submitters: Pathogenic (2); Likely pathogenic (1). Last evaluated 2025-11-27.

Conditions:
Gorlin syndrome. Also called: Nevoid Basal Cell Carcinoma Syndrome; Basal cell nevus syndrome. Identifiers: Orphanet 377, MedGen C0004779, MONDO:0007187.
Hereditary cancer-predisposing syndrome. Also called: Hereditary neoplastic syndrome; Tumor predisposition; Neoplastic Syndromes, Hereditary; Hereditary Cancer Syndrome. Identifiers: Orphanet 140162, MedGen C0027672, MeSH D009386, MONDO:0015356.

Submissions (3):

Labcorp Genetics (formerly Invitae), Labcorp
Classification: Pathogenic for Gorlin syndrome. Last evaluated: 2025-11-27. Review status: criteria provided, single submitter. Criteria: Invitae Variant Classification Sherloc (09022015). Collection method: clinical testing. Allele origin: germline.
Comment: This sequence change creates a premature translational stop signal (p.Glu405*) in the PTCH1 gene. It is expected to result in an absent or disrupted protein product. Loss-of-function variants in PTCH1 are known to be pathogenic (PMID: 16301862, 16419085). This variant is not present in population databases (gnomAD no frequency). This variant has not been reported in the literature in individuals affected with PTCH1-related conditions. ClinVar contains an entry for this variant (Variation ID: 1709605). Algorithms developed to predict the effect of sequence changes on RNA splicing suggest that this variant may disrupt the consensus splice site. For these reasons, this variant has been classified as Pathogenic.

Ambry Genetics
Classification: Pathogenic for Hereditary cancer-predisposing syndrome. Last evaluated: 2023-12-20. Review status: criteria provided, single submitter. Criteria: Ambry Variant Classification Scheme 2023. Collection method: clinical testing. Allele origin: germline.
Comment: The p.E405* variant (also known as c.1213G>T), located in coding exon 8 of the PTCH1 gene, results from a G to T substitution at nucleotide position 1213. This changes the amino acid from a glutamic acid to a stop codon within coding exon 8. In silico splice site analysis predicts that this alteration will result in the creation or strengthening of a novel splice donor site. RNA studies have demonstrated that this alteration results in abnormal splicing in the set of samples tested (Ambry internal data). This alteration has been observed in at least one individual with a personal and/or family history that is consistent with PTCH1-related disease (Ambry internal data). This variant is considered to be rare based on population cohorts in the Genome Aggregation Database (gnomAD). This alteration is expected to result in loss of function by premature protein truncation or nonsense-mediated mRNA decay. As such, this alteration is interpreted as a disease-causing mutation.

MGZ Medical Genetics Center
Classification: Likely pathogenic for Basal cell nevus syndrome 1. Last evaluated: 2021-06-29. Review status: criteria provided, single submitter. Criteria: ACMG Guidelines, 2015. Collection method: clinical testing. Allele origin: germline. Affected: yes. Observed: 1 variant allele.
Comment: ACMG criteria applied: PVS1, PM2_SUP

Literature cited by the submitters: PubMed 16301862 (cited by Labcorp Genetics (formerly Invitae), Labcorp); PubMed 16419085 (cited by Labcorp Genetics (formerly Invitae), Labcorp).